The following is an entry in ClinVar:

NM_003072.5(SMARCA4):c.107C>T (p.Pro36Leu)

Gene: SMARCA4 (SWI/SNF related BAF chromatin remodeling complex subunit ATPase 4; plus strand). Cytogenetic location: 19p13.2.
Variant type: single nucleotide variant.
Coding change: c.107C>T on transcript NM_003072.5 (MANE Select); coding-DNA position 107, C replaced by T.
Protein change: p.Pro36Leu; replaces proline 36 with leucine.
Molecular consequence: missense variant. On other transcripts: non-coding transcript variant (1).
Genome position (GRCh38, 1-based): chr19:10,984,258, C>T. VCF-style: chr19-10984258-C-T. GRCh37 (hg19) VCF-style: chr19-11094934-C-T.
Other names: c.107C>T, p.Pro36Leu (NM_001128844.3, NM_001128845.2, NM_001128846.2 and 5 more transcripts); short protein forms P36L.
Identifiers: ClinVar variation 408713 (VCV000408713.24), dbSNP rs766176476, ClinGen allele CA9203401.

ClinVar aggregate classification (germline): Uncertain significance. Review status: criteria provided, multiple submitters, no conflicts (2 of 4 stars). 6 submissions from 6 submitters: Uncertain significance (6). Last evaluated 2025-12-08.

Conditions:
Hereditary cancer-predisposing syndrome. Also called: Hereditary Cancer Syndrome; Hereditary neoplastic syndrome; Neoplastic Syndromes, Hereditary; Tumor predisposition. Identifiers: Orphanet 140162, MedGen C0027672, MeSH D009386, MONDO:0015356.
Intellectual disability, autosomal dominant 16 (CSS4). Also called: COFFIN-SIRIS SYNDROME 4. Identifiers: Orphanet 1465, MedGen C3553249, MONDO:0013821, OMIM 614609.
Rhabdoid tumor predisposition syndrome 2 (RTPS2). Identifiers: Orphanet 231108, Orphanet 69077, MedGen C2750074, MONDO:0013224, OMIM 613325.

Allele frequency attached by ClinVar (database versions not stated): gnomAD exomes below 0.00001 and 0.00001; ExAC 0.00001; gnomAD 0.00001; TOPMed 0.00002.
gnomAD v4.1: 12 of 1,611,590 alleles (0.00074%); highest among the groups gnomAD compares: East Asian, 0.0022%; no homozygotes.

Submissions (6):

Ambry Genetics
Classification: Uncertain significance for Hereditary cancer-predisposing syndrome. Last evaluated: 2025-12-08. Review status: criteria provided, single submitter. Criteria: Ambry Variant Classification Scheme 2023. Collection method: clinical testing. Allele origin: germline.
Comment: The p.P36L variant (also known as c.107C>T), located in coding exon 1 of the SMARCA4 gene, results from a C to T substitution at nucleotide position 107. The proline at codon 36 is replaced by leucine, an amino acid with similar properties. This variant has been detected in multiple individuals with no reported features of Coffin-Siris syndrome-associated disease (Ambry internal data). This amino acid position is highly conserved in available vertebrate species. In addition, this alteration is predicted to be deleterious by in silico analysis. Based on the supporting evidence, the association of this alteration with rhabdoid tumor predisposition syndrome is unknown; however, the association of this alteration with Coffin-Siris syndrome is unlikely.

Labcorp Genetics (formerly Invitae), Labcorp
Classification: Uncertain significance for Rhabdoid tumor predisposition syndrome 2. Last evaluated: 2025-11-24. Review status: criteria provided, single submitter. Criteria: Invitae Variant Classification Sherloc (09022015). Collection method: clinical testing. Allele origin: germline.
Comment: This sequence change replaces proline, which is neutral and non-polar, with leucine, which is neutral and non-polar, at codon 36 of the SMARCA4 protein (p.Pro36Leu). This variant is present in population databases (rs766176476, gnomAD 0.006%). This variant has not been reported in the literature in individuals affected with SMARCA4-related conditions. ClinVar contains an entry for this variant (Variation ID: 408713). Invitae Evidence Modeling of protein sequence and biophysical properties (such as structural, functional, and spatial information, amino acid conservation, physicochemical variation, residue mobility, and thermodynamic stability) has been performed for this missense variant. However, the output from this modeling did not meet the statistical confidence thresholds required to predict the impact of this variant on SMARCA4 protein function. In summary, the available evidence is currently insufficient to determine the role of this variant in disease. Therefore, it has been classified as a Variant of Uncertain Significance.

GeneDx
Classification: Uncertain significance. Last evaluated: 2025-05-28. Review status: criteria provided, single submitter. Criteria: GeneDx Variant Classification Process June 2021. Collection method: clinical testing. Allele origin: germline. Affected: yes.
Comment: In silico analysis supports that this missense variant has a deleterious effect on protein structure/function; Has not been previously published as pathogenic or benign to our knowledge

Quest Diagnostics Nichols Institute San Juan Capistrano
Classification: Uncertain significance. Last evaluated: 2024-07-31. Review status: criteria provided, single submitter. Criteria: Quest Diagnostics criteria. Collection method: clinical testing. Allele origin: unknown.
Comment: The SMARCA4 c.107C>T (p.Pro36Leu) variant has not been reported in individuals with SMARCA4-related conditions in the published literature. The frequency of this variant in the general population, 0.0000042 (1/239478 chromosomes (Genome Aggregation Database)), is uninformative in the assessment of its pathogenicity. Analysis of this variant using bioinformatics tools for the prediction of the effect of amino acid changes on protein structure and function yielded predictions that this variant is damaging. Based on the available information, we are unable to determine the clinical significance of this variant.

Baylor Genetics
Classification: Uncertain significance for Rhabdoid tumor predisposition syndrome 2. Last evaluated: 2024-01-26. Review status: criteria provided, single submitter. Criteria: ACMG Guidelines, 2015. Collection method: clinical testing. Allele origin: unknown.

Genome-Nilou Lab
Classification: Uncertain significance for Intellectual disability, autosomal dominant 16. Last evaluated: 2021-07-15. Review status: criteria provided, single submitter. Criteria: ACMG Guidelines, 2015. Collection method: clinical testing. Allele origin: germline. Affected: no.